The following is an entry in ClinVar:

ClinVar aggregate classification (germline): Uncertain significance (0 of 4 stars; one submission).

Conditions:
PLOD3-related disorder. Also called: PLOD3-related condition.

Allele frequency attached by ClinVar (database versions not stated): ExAC 0.00001; gnomAD 0.00001; gnomAD exomes 0.00001; TOPMed 0.00001.
gnomAD v4.1: 9 of 1,613,204 alleles (0.00056%); highest among the groups gnomAD compares: Admixed American, 0.0017%; no homozygotes.

Submission:

PreventionGenetics, part of Exact Sciences
Classification: Uncertain significance for PLOD3-related condition. Last evaluated: 2024-01-05. Review status: no assertion criteria provided. Collection method: clinical testing. Allele origin: germline.
Comment: The PLOD3 c.1108G>A variant is predicted to result in the amino acid substitution p.Glu370Lys. To our knowledge, this variant has not been reported in the literature. This variant is reported in 0.0029% of alleles in individuals of Latino descent in gnomAD. At this time, the clinical significance of this variant is uncertain due to the absence of conclusive functional and genetic evidence.

NM_001084.5(PLOD3):c.1108G>A (p.Glu370Lys)

Gene: PLOD3 (procollagen-lysine,2-oxoglutarate 5-dioxygenase 3; minus strand). Cytogenetic location: 7q22.1.
Variant type: single nucleotide variant.
Coding change: c.1108G>A on transcript NM_001084.5 (MANE Select); coding-DNA position 1108, G replaced by A.
Protein change: p.Glu370Lys; replaces glutamic acid 370 with lysine.
Molecular consequence: missense variant.
Genome position (GRCh38, 1-based): chr7:101,212,272, C>T on the plus strand (G>A on the coding strand, the complement: PLOD3 is on the minus strand). VCF-style: chr7-101212272-C-T. GRCh37 (hg19) VCF-style: chr7-100855553-C-T.
Other names: short protein forms E370K.
Identifiers: ClinVar variation 3046329 (VCV003046329.2), dbSNP rs772269466, ClinGen allele CA4407850.